The following is an entry in ClinVar:

NM_001042492.3(NF1):c.889-20G>A

Gene: NF1 (neurofibromin 1; plus strand). Cytogenetic location: 17q11.2.
Variant type: single nucleotide variant.
Coding change: c.889-20G>A on transcript NM_001042492.3 (MANE Select); 20 bases into the intron before coding-DNA position 889, G replaced by A.
Molecular consequence: intron variant.
Genome position (GRCh38, 1-based): chr17:31,200,402, G>A. VCF-style: chr17-31200402-G-A. GRCh37 (hg19) VCF-style: chr17-29527420-G-A.
Other names: c.889-20G>A (NM_000267.4, NM_001128147.3).
Identifiers: ClinVar variation 1639747 (VCV001639747.9), dbSNP rs765690267, ClinGen allele CA8485656.

ClinVar aggregate classification (germline): Likely benign. Review status: criteria provided, multiple submitters, no conflicts (2 of 4 stars). 2 submissions from 2 submitters: Likely benign (2). Last evaluated 2026-05-11.

Conditions:
Neurofibromatosis, type 1 (NF1). Also called: VON RECKLINGHAUSEN DISEASE; NEUROFIBROMATOSIS, TYPE I, SOMATIC; Neurofibromatosis, type I; Peripheral type neurofibromatosis. Identifiers: Orphanet 636, MedGen C0027831, MONDO:0018975, OMIM 162200. Disease mechanism: loss of function.

Allele frequency attached by ClinVar (database versions not stated): TOPMed below 0.00001; ExAC 0.00002; gnomAD exomes 0.00002.
gnomAD v4.1: 8 of 1,611,270 alleles (0.0005%); highest among the groups gnomAD compares: East Asian, 0.011%; no homozygotes.

Submissions (2):

Myriad Genetics, Inc.
Classification: Likely benign for Neurofibromatosis, type 1. Last evaluated: 2026-05-11. Review status: criteria provided, single submitter. Criteria: Myriad Autosomal Dominant, Autosomal Recessive and X-Linked Classification Criteria (2023). Collection method: clinical testing. Allele origin: unknown.
Comment: This variant is considered likely benign. This variant is intronic and is not expected to impact mRNA splicing.

Labcorp Genetics (formerly Invitae), Labcorp
Classification: Likely benign for Neurofibromatosis, type 1. Last evaluated: 2025-11-10. Review status: criteria provided, single submitter. Criteria: Invitae Variant Classification Sherloc (09022015). Collection method: clinical testing. Allele origin: germline.